The following is an entry in ClinVar:

ClinVar aggregate classification (germline): Benign (1 of 4 stars; one submission).

Conditions:
Hereditary leiomyomatosis and renal cell cancer. Also called: MULTIPLE CUTANEOUS AND UTERINE LEIOMYOMATA 1, WITH OR WITHOUT RENAL CELL CARCINOMA; LEIOMYOMA, MULTIPLE CUTANEOUS; FH tumor predisposition syndrome; Reed syndrome; Multiple cutaneous and uterine leiomyomatosis; Cutaneous leiomyomata with uterine leiomyomata. Identifiers: Orphanet 523, MedGen C1708350, MONDO:0007888, OMIM 150800, HP:0007437. Disease mechanism: loss of function.

Submission:

Myriad Genetics, Inc.
Classification: Benign for Hereditary leiomyomatosis and renal cell cancer. Last evaluated: 2024-10-21. Review status: criteria provided, single submitter. Criteria: Myriad Autosomal Dominant, Autosomal Recessive and X-Linked Classification Criteria (2023). Collection method: clinical testing. Allele origin: unknown.
Comment: This variant is considered benign. This variant is a silent/synonymous amino acid change and it is not expected to impact splicing.

NM_000143.4(FH):c.1044T>G (p.Gly348=)

Gene: FH (fumarate hydratase; minus strand). Cytogenetic location: 1q43.
Variant type: single nucleotide variant.
Coding change: c.1044T>G on transcript NM_000143.4 (MANE Select); coding-DNA position 1044, T replaced by G.
Protein change: p.Gly348=; no amino-acid change (glycine 348 retained).
Molecular consequence: synonymous variant.
Genome position (GRCh38, 1-based): chr1:241,504,106, A>C on the plus strand (T>G on the coding strand, the complement: FH is on the minus strand). VCF-style: chr1-241504106-A-C. GRCh37 (hg19) VCF-style: chr1-241667406-A-C.
Identifiers: ClinVar variation 3773475 (VCV003773475.1).
Genomic context (GRCh38, chr1:241,504,106, plus strand): 5'-CATGATACTGCTTCCTGGTTCATTTTCAGGCAAGATCAATTCTCCCAGACCTGACCGAGG[A>C]CCAGAACCCAAAAATCGAATATCATTTGCTATCTTCATCAGACTGCAGGCAGTAGTGTTC-3'
Protein context (NP_000134.2, residues 338-358): IANDIRFLGS[Gly348=]PRSGLGELIL